The following is an entry in ClinVar:

NM_019026.6(TMCO1):c.317A>G (p.Asn106Ser)

Gene: TMCO1 (transmembrane and coiled-coil domains 1; minus strand). Cytogenetic location: 1q24.1.
Variant type: single nucleotide variant.
Coding change: c.317A>G on transcript NM_019026.6 (MANE Select); coding-DNA position 317, A replaced by G.
Protein change: p.Asn106Ser; replaces asparagine 106 with serine.
Molecular consequence: missense variant. On other transcripts: non-coding transcript variant (1).
Genome position (GRCh38, 1-based): chr1:165,752,108, T>C on the plus strand (A>G on the coding strand, the complement: TMCO1 is on the minus strand). VCF-style: chr1-165752108-T-C. GRCh37 (hg19) VCF-style: chr1-165721345-T-C.
Other names: c.368A>G, p.Asn123Ser (NM_001256164.1); c.281A>G, p.Asn94Ser (NM_001256165.1); short protein forms N94S, N106S, N123S.
Identifiers: ClinVar variation 4633195 (VCV004633195.2).
Genomic context (GRCh38, chr1:165,752,108, plus strand): 5'-CATACAAATATAGAGTAATAGTTATTAGTCAAAAGCATATAAAAGGACACTCACATGGAA[T>C]TGAACATTCCCATTAGGGCAGTAAAACAAAAGCCAATAGCAAACATGGATTTCATTCGAA-3'
Protein context (NP_061899.3, residues 96-116): FCFTALMGMF[Asn106Ser]SIFDGRVVAK

ClinVar aggregate classification (germline): Uncertain significance. Review status: criteria provided, multiple submitters, no conflicts (2 of 4 stars). 2 submissions from 2 submitters: Uncertain significance (2). Last evaluated 2025-10-29.

Conditions:
Inborn genetic diseases. Identifiers: MedGen C0950123, MeSH D030342.

gnomAD v4.1: 9 of 1,612,210 alleles (0.00056%); highest among the groups gnomAD compares: Non-Finnish European, 0.00076%; no homozygotes.

Submissions (2):

Ambry Genetics
Classification: Uncertain significance for Inborn genetic diseases. Last evaluated: 2025-10-29. Review status: criteria provided, single submitter. Criteria: Ambry Variant Classification Scheme 2023. Collection method: clinical testing. Allele origin: germline.

Labcorp Genetics (formerly Invitae), Labcorp
Classification: Uncertain significance. Last evaluated: 2025-10-27. Review status: criteria provided, single submitter. Criteria: Invitae Variant Classification Sherloc (09022015). Collection method: clinical testing. Allele origin: germline.
Comment: This sequence change replaces asparagine, which is neutral and polar, with serine, which is neutral and polar, at codon 157 of the TMCO1 protein (p.Asn157Ser). This variant is present in population databases (rs774226905, gnomAD 0.004%). This variant has not been reported in the literature in individuals affected with TMCO1-related conditions. An algorithm developed to predict the effect of missense changes on protein structure and function (PolyPhen-2) suggests that this variant is likely to be tolerated. In summary, the available evidence is currently insufficient to determine the role of this variant in disease. Therefore, it has been classified as a Variant of Uncertain Significance.